The following is an entry in ClinVar:

ClinVar aggregate classification (germline): Uncertain significance (1 of 4 stars; one submission).

Conditions:
Long QT syndrome (LQTS). Identifiers: MedGen C0023976, MeSH D008133, MONDO:0002442. Disease mechanism: loss of function. Inheritance: Various modes of inheritance.

gnomAD v4.1: 2 of 1,610,840 alleles (0.00012%); highest among the groups gnomAD compares: Non-Finnish European, 0.00017%; no homozygotes.

Submission:

Labcorp Genetics (formerly Invitae), Labcorp
Classification: Uncertain significance for Long QT syndrome. Last evaluated: 2024-10-22. Review status: criteria provided, single submitter. Criteria: Invitae Variant Classification Sherloc (09022015). Collection method: clinical testing. Allele origin: germline.
Comment: This sequence change replaces alanine, which is neutral and non-polar, with valine, which is neutral and non-polar, at codon 210 of the CACNA1C protein (p.Ala210Val). This variant is not present in population databases (gnomAD no frequency). This variant has not been reported in the literature in individuals affected with CACNA1C-related conditions. Invitae Evidence Modeling of protein sequence and biophysical properties (such as structural, functional, and spatial information, amino acid conservation, physicochemical variation, residue mobility, and thermodynamic stability) indicates that this missense variant is not expected to disrupt CACNA1C protein function with a negative predictive value of 95%. In summary, the available evidence is currently insufficient to determine the role of this variant in disease. Therefore, it has been classified as a Variant of Uncertain Significance.

NM_000719.7(CACNA1C):c.629C>T (p.Ala210Val)

Gene: CACNA1C (calcium voltage-gated channel subunit alpha1 C; plus strand). Cytogenetic location: 12p13.33.
Variant type: single nucleotide variant.
Coding change: c.629C>T on transcript NM_000719.7 (MANE Select); coding-DNA position 629, C replaced by T.
Protein change: p.Ala210Val; replaces alanine 210 with valine.
Molecular consequence: missense variant.
Genome position (GRCh38, 1-based): chr12:2,457,578, C>T. VCF-style: chr12-2457578-C-T. GRCh37 (hg19) VCF-style: chr12-2566744-C-T.
Other names: c.629C>T, p.Ala210Val (NM_001129827.2, NM_001129829.2, NM_001129830.3 and 19 more transcripts); short protein forms A210V.
Identifiers: ClinVar variation 3718429 (VCV003718429.2).
Genomic context (GRCh38, chr12:2,457,578, plus strand): 5'-CAAAAGAAAACCCAGTCCTGACAGTCCTTCTCTCTTTCCTCTCTTCTAGGCTTTTTAGTG[C>T]AATTTTAGAACAAGCAACCAAAGCAGATGGGGCAAACGCTCTCGGAGGGAAAGGGGCCGG-3'
Protein context (NP_000710.5, residues 200-220): FIIVVVGLFS[Ala210Val]ILEQATKADG